The following is an entry in ClinVar:

ClinVar aggregate classification (germline): Conflicting classifications of pathogenicity. Review status: criteria provided, conflicting classifications (1 of 4 stars). 4 submissions from 4 submitters: Likely pathogenic (1); Uncertain significance (3). Last evaluated 2026-02-12.

Conditions:
Dilated cardiomyopathy 1G (CMD1G). Identifiers: Orphanet 154, MedGen C1858763, MONDO:0011400, OMIM 604145.
Autosomal recessive limb-girdle muscular dystrophy type 2J (LGMDR10). Also called: Limb-girdle muscular dystrophy, type 2J; MUSCULAR DYSTROPHY, LIMB-GIRDLE, AUTOSOMAL RECESSIVE 10. Identifiers: Orphanet 140922, MedGen C1837342, MONDO:0012127, OMIM 608807.

Submissions (4):

GeneDx
Classification: Likely pathogenic. Last evaluated: 2026-02-12. Review status: criteria provided, single submitter. Criteria: GeneDx Variant Classification Process June 2021. Collection method: clinical testing. Allele origin: germline.
Comment: Not observed at significant frequency in large population cohorts (gnomAD); RNA studies demonstrate a damaging effect: in-frame skipping of exon 316 (PMID: 28424332); Located in the A-band, a region of TTN for which truncating variants are significantly associated with autosomal dominant cardiomyopathy and also with autosomal recessive skeletal myopathies (PMID: 22335739, 32778822); This variant is associated with the following publications: (PMID: 29691892, 32153140, 32778822, 38544359, 28424332, 22335739)

3billion
Classification: Uncertain significance for Autosomal recessive limb-girdle muscular dystrophy type 2J. Last evaluated: 2025-11-28. Review status: criteria provided, single submitter. Criteria: ACMG Guidelines, 2015. Collection method: clinical testing. Allele origin: germline. Affected: yes.
Comment: The variant is observed at an extremely low frequency in the gnomAD v4.1.0 dataset (total allele frequency: <0.001%). Predicted Consequence/Location: Intron variant In silico tools predict the variant to alter splicing and produce an abnormal transcript [SpliceAI: 0.91 (>=0.2, moderate evidence for spliceogenicity)]. The variant has been reported to be associated with TTN-related disorder (PMID: 28424332).However, the evidence of pathogenicity is insufficient at this time. Therefore, this variant is classified as VUS according to the recommendation of ACMG/AMP guideline.

Labcorp Genetics (formerly Invitae), Labcorp
Classification: Uncertain significance for Dilated cardiomyopathy 1G; Autosomal recessive limb-girdle muscular dystrophy type 2J. Last evaluated: 2024-05-29. Review status: criteria provided, single submitter. Criteria: Invitae Variant Classification Sherloc (09022015). Collection method: clinical testing. Allele origin: germline.
Comment: This sequence change falls in intron 316 of the TTN gene. It does not directly change the encoded amino acid sequence of the TTN protein. RNA analysis indicates that this variant induces altered splicing and likely results in a shortened protein product. This variant is not present in population databases (gnomAD no frequency). This variant has been observed in individual(s) with clinical features of autosomal recessive congenital myopathy (PMID: 28424332, 29691892). This variant is also known as chr2: 179,446,219 ATACT>A. ClinVar contains an entry for this variant (Variation ID: 167774). Variants that disrupt the consensus splice site are a relatively common cause of aberrant splicing (PMID: 17576681, 9536098). Studies have shown that this variant results in skipping of exon 316, but is expected to preserve the integrity of the reading-frame (PMID: 28424332). This variant is located in the A band of TTN (PMID: 25589632). Variants in this region may be relevant for cardiac or neuromuscular disorders (PMID: 25589632, 23975875). In summary, the available evidence is currently insufficient to determine the role of this variant in disease. Therefore, it has been classified as a Variant of Uncertain Significance.

Eurofins Ntd Llc (ga)
Classification: Uncertain significance. Last evaluated: 2014-03-06. Review status: criteria provided, single submitter. Criteria: EGL Classification Definitions 2015. Collection method: clinical testing. Allele origin: germline. Observed: 1 variant allele, 1 heterozygote.

Literature cited by the submitters: PubMed 28424332 (cited by 3billion and Labcorp Genetics (formerly Invitae), Labcorp); PubMed 29691892 (cited by Labcorp Genetics (formerly Invitae), Labcorp); PubMed 17576681 (cited by Labcorp Genetics (formerly Invitae), Labcorp); PubMed 9536098 (cited by Labcorp Genetics (formerly Invitae), Labcorp); PubMed 25589632 (cited by Labcorp Genetics (formerly Invitae), Labcorp); PubMed 23975875 (cited by Labcorp Genetics (formerly Invitae), Labcorp).

NM_001267550.2(TTN):c.66769+4_66769+7del

Genes: TTN-AS1 (TTN antisense RNA 1; plus strand), TTN (titin; minus strand). Cytogenetic location: 2q31.2.
Variant type: Microsatellite.
Coding change: c.66769+4_66769+7del on transcript NM_001267550.2 (MANE Select); bases 4 to 7 of the intron after coding-DNA position 66769, 4 bases deleted (AGTA; older notation c.66769+4_66769+7delAGTA).
Molecular consequence: splice donor variant.
Genome position (GRCh38, 1-based): chr2:178,581,492-178,581,495, TACT deleted on the plus strand (AGTA on the coding strand, the reverse complement: TTN is on the minus strand); deleting any 4 consecutive bases within chr2:178,581,492-178,581,501 gives the same sequence; the c. name uses the placement nearest the transcript's 3' end. VCF-style (leftmost placement, unchanged base first): chr2-178581491-ATACT-A. GRCh37 (hg19) VCF-style: chr2-179446218-ATACT-A.
Other names: c.39574+4_39574+7del (NM_003319.4); c.40150+4_40150+7del (NM_133437.4); c.39949+4_39949+7del (NM_133432.3); c.59065+4_59065+7del (NM_133378.4); c.61846+4_61846+7del (NM_001256850.1).
Identifiers: ClinVar variation 167774 (VCV000167774.13), dbSNP rs727504189, ClinGen allele CA235089.